The following is an entry in ClinVar:

ClinVar aggregate classification (germline): Uncertain significance (1 of 4 stars; one submission).

gnomAD v4.1: 1 of 1,613,406 alleles (0.000062%); highest among the groups gnomAD compares: South Asian, 0.0011%; no homozygotes.

Submission:

Labcorp Genetics (formerly Invitae), Labcorp
Classification: Uncertain significance. Last evaluated: 2025-12-23. Review status: criteria provided, single submitter. Criteria: Invitae Variant Classification Sherloc (09022015). Collection method: clinical testing. Allele origin: germline.
Comment: This sequence change replaces isoleucine, which is neutral and non-polar, with valine, which is neutral and non-polar, at codon 80 of the DCHS1 protein (p.Ile80Val). This variant is not present in population databases (gnomAD no frequency). This variant has not been reported in the literature in individuals affected with DCHS1-related conditions. Invitae Evidence Modeling of protein sequence and biophysical properties (such as structural, functional, and spatial information, amino acid conservation, physicochemical variation, residue mobility, and thermodynamic stability) indicates that this missense variant is not expected to disrupt DCHS1 protein function with a negative predictive value of 95%. In summary, the available evidence is currently insufficient to determine the role of this variant in disease. Therefore, it has been classified as a Variant of Uncertain Significance.

NM_003737.4(DCHS1):c.238A>G (p.Ile80Val)

Gene: DCHS1 (dachsous cadherin-related 1; minus strand). Cytogenetic location: 11p15.4.
Variant type: single nucleotide variant.
Coding change: c.238A>G on transcript NM_003737.4 (MANE Select); coding-DNA position 238, A replaced by G.
Protein change: p.Ile80Val; replaces isoleucine 80 with valine.
Molecular consequence: missense variant.
Genome position (GRCh38, 1-based): chr11:6,641,376, T>C on the plus strand (A>G on the coding strand, the complement: DCHS1 is on the minus strand). VCF-style: chr11-6641376-T-C. GRCh37 (hg19) VCF-style: chr11-6662607-T-C.
Other names: short protein forms I80V.
Identifiers: ClinVar variation 4777593 (VCV004777593.1).